The following is an entry in ClinVar:

ClinVar aggregate classification (germline): Benign/Likely benign. Review status: criteria provided, multiple submitters, no conflicts (2 of 4 stars). 8 submissions from 8 submitters: Benign (4); Likely benign (4). Last evaluated 2026-04-01.

Conditions:
RYR1-related disorder. Also called: RYR1-related condition; RYR1-related disorders. Identifiers: MedGen CN239331.
Malignant hyperthermia, susceptibility to, 1 (MHS1). Also called: Malignant hyperthermia suceptibility 1; RYR1-Related Malignant Hyperthermia Susceptibility; Anesthesia related hyperthermia; Malignant hyperpyrexia; Fulminating hyperpyrexia; Pharmacogenic myopathy. Identifiers: Orphanet 423, MedGen C2930980, MONDO:0007783, OMIM 145600.

Allele frequency attached by ClinVar (database versions not stated): gnomAD exomes 0.00036 and 0.00172; gnomAD 0.00049 and 0.00062; TOPMed 0.00083; ExAC 0.00150; 1000 Genomes Project 0.00319; 1000 Genomes Project 30x 0.00344.
gnomAD v4.1: 635 of 1,612,850 alleles (0.039%); highest among the groups gnomAD compares: East Asian, 1.3%; 2 homozygotes.

Submissions (8):

CeGaT Center for Human Genetics Tuebingen
Classification: Likely benign. Last evaluated: 2026-04-01. Review status: criteria provided, single submitter. Criteria: CeGaT Center For Human Genetics Tuebingen Variant Classification Criteria Version 2. Collection method: clinical testing. Allele origin: germline. Affected: yes. Observed: 1 variant allele.
Comment: RYR1: BP4, BP7, BS1

Labcorp Genetics (formerly Invitae), Labcorp
Classification: Benign for RYR1-related disorder. Last evaluated: 2026-02-04. Review status: criteria provided, single submitter. Criteria: Invitae Variant Classification Sherloc (09022015). Collection method: clinical testing. Allele origin: germline.

Blueprint Genetics
Classification: Likely benign. Last evaluated: 2024-11-25. Review status: criteria provided, single submitter. Criteria: ACMG Guidelines, 2015. Collection method: clinical testing. Allele origin: germline.

Athena Diagnostics
Classification: Benign. Last evaluated: 2024-07-17. Review status: criteria provided, single submitter. Criteria: Athena Diagnostics Criteria. Collection method: clinical testing. Allele origin: unknown.

Color Diagnostics, LLC DBA Color Health
Classification: Benign for Malignant hyperthermia, susceptibility to, 1. Last evaluated: 2022-09-16. Review status: criteria provided, single submitter. Criteria: ACMG Guidelines, 2015. Collection method: clinical testing. Allele origin: germline.

GeneDx
Classification: Benign. Last evaluated: 2020-01-21. Review status: criteria provided, single submitter. Criteria: GeneDx Variant Classification Process June 2021. Collection method: clinical testing. Allele origin: germline. Affected: yes.

Illumina Laboratory Services, Illumina
Classification: Likely benign for Malignant hyperthermia, susceptibility to, 1. Last evaluated: 2017-04-27. Review status: criteria provided, single submitter. Criteria: ICSL Variant Classification Criteria 13 December 2019. Collection method: clinical testing. Allele origin: germline.
Comment: This variant was observed as part of a predisposition screen in an ostensibly healthy population. A literature search was performed for the gene, cDNA change, and amino acid change (where applicable). No publications were found based on this search. Allele frequency data from public databases allowed determination this variant is unlikely to cause disease. Therefore, this variant is classified as likely benign.

Breakthrough Genomics
Classification: Likely benign. Review status: criteria provided, single submitter. Criteria: ACMG Guidelines, 2015. Collection method: not provided. Allele origin: germline. Inheritance: Autosomal recessive inheritance. Affected: yes.

NM_000540.3(RYR1):c.6387C>T (p.Asp2129=)

Gene: RYR1 (ryanodine receptor 1; plus strand). Cytogenetic location: 19q13.2.
Variant type: single nucleotide variant.
Coding change: c.6387C>T on transcript NM_000540.3 (MANE Select); coding-DNA position 6387, C replaced by T.
Protein change: p.Asp2129=; no amino-acid change (aspartic acid 2129 retained).
Molecular consequence: synonymous variant.
Genome position (GRCh38, 1-based): chr19:38,494,464, C>T. VCF-style: chr19-38494464-C-T. GRCh37 (hg19) VCF-style: chr19-38985104-C-T.
Other names: c.6387C>T, p.Asp2129= (NM_001042723.2).
Identifiers: ClinVar variation 329050 (VCV000329050.23), dbSNP rs117886618, ClinGen allele CA068186.